The following is an entry in ClinVar:

ClinVar aggregate classification (germline): Benign/Likely benign. Review status: criteria provided, multiple submitters, no conflicts (2 of 4 stars). 4 submissions from 4 submitters: Benign (1); Likely benign (3). Last evaluated 2026-07-02.

Conditions:
RET-related disorder. Also called: RET-related disorders; RET-related condition; RET-related disease.
Hereditary cancer-predisposing syndrome. Also called: Neoplastic Syndromes, Hereditary; Tumor predisposition; Hereditary Cancer Syndrome; Hereditary neoplastic syndrome. Identifiers: Orphanet 140162, MedGen C0027672, MeSH D009386, MONDO:0015356.
Multiple endocrine neoplasia, type 2 (MEN2). Identifiers: Orphanet 653, MedGen C4048306, MONDO:0019003. Disease mechanism: gain of function.

Allele frequency attached by ClinVar (database versions not stated): gnomAD 0.00001 and 0.00002; TOPMed 0.00001; ExAC 0.00007; 1000 Genomes Project 30x 0.00016; 1000 Genomes Project 0.00020.

Submissions (4):

PreventionGenetics, part of Exact Sciences
Classification: Likely benign for RET-related condition. Last evaluated: 2026-07-02. Review status: criteria provided, single submitter. Criteria: ACMG Guidelines, 2015. Collection method: clinical testing. Allele origin: germline.
Comment: This variant is classified as likely benign based on ACMG/AMP sequence variant interpretation guidelines (Richards et al. 2015 PMID: 25741868, with internal and published modifications).

Labcorp Genetics (formerly Invitae), Labcorp
Classification: Likely benign for Multiple endocrine neoplasia, type 2. Last evaluated: 2026-02-01. Review status: criteria provided, single submitter. Criteria: Invitae Variant Classification Sherloc (09022015). Collection method: clinical testing. Allele origin: germline.

Ambry Genetics
Classification: Benign for Hereditary cancer-predisposing syndrome. Last evaluated: 2022-11-04. Review status: criteria provided, single submitter. Criteria: Ambry Variant Classification Scheme 2023. Collection method: clinical testing. Allele origin: germline.

Color Diagnostics, LLC DBA Color Health
Classification: Likely benign for Multiple endocrine neoplasia, type 2. Last evaluated: 2022-08-23. Review status: criteria provided, single submitter. Criteria: ACMG Guidelines, 2015. Collection method: clinical testing. Allele origin: germline.

NM_020975.6(RET):c.2246G>C (p.Arg749Thr)

Gene: RET (ret proto-oncogene; plus strand). Cytogenetic location: 10q11.21.
Variant type: single nucleotide variant.
Coding change: c.2246G>C on transcript NM_020975.6 (MANE Select); coding-DNA position 2246, G replaced by C.
Protein change: p.Arg749Thr; replaces arginine 749 with threonine.
Molecular consequence: missense variant.
Genome position (GRCh38, 1-based): chr10:43,116,693, G>C. VCF-style: chr10-43116693-G-C. GRCh37 (hg19) VCF-style: chr10-43612141-G-C.
Other names: c.2246G>C, p.Arg749Thr (NM_000323.2, NM_001406743.1, NM_001406744.1 and 4 more transcripts); c.1484G>C, p.Arg495Thr (NM_001355216.2); c.2117G>C, p.Arg706Thr (NM_001406761.1, NM_001406762.1, NM_001406764.1); c.2111G>C, p.Arg704Thr (NM_001406763.1, NM_001406765.1); c.1958G>C, p.Arg653Thr (NM_001406766.1, NM_001406767.1, NM_001406770.1); c.1982G>C, p.Arg661Thr (NM_001406768.1); c.1850G>C, p.Arg617Thr (NM_001406769.1, NM_001406772.1); c.1808G>C, p.Arg603Thr (NM_001406771.1, NM_001406773.1); and 10 more; short protein forms R749T, R495T, R407T, R410T, R661T, R419T, R450T, R507T.
Identifiers: ClinVar variation 220330 (VCV000220330.18), dbSNP rs34288963, ClinGen allele CA037950.
Genomic context (GRCh38, chr10:43,116,693, plus strand): 5'-CTCTAGGAGAAGGCGAATTTGGAAAAGTGGTCAAGGCAACGGCCTTCCATCTGAAAGGCA[G>C]AGCAGGGTACACCACGGTGGCCGTGAAGATGCTGAAAGGTACCTGCCAGGCACAGGCACA-3'
Protein context (NP_066124.1, residues 739-759): VKATAFHLKG[Arg749Thr]AGYTTVAVKM